The following is an entry in ClinVar:

ClinVar aggregate classification (germline): Uncertain significance (0 of 4 stars; one submission).

Conditions:
DISC1-related disorder. Also called: DISC1-related condition.

gnomAD v4.1: 1 of 1,614,222 alleles (0.000062%); no homozygotes.

Submission:

PreventionGenetics, part of Exact Sciences
Classification: Uncertain significance for DISC1-related condition. Last evaluated: 2024-01-19. Review status: no assertion criteria provided. Collection method: clinical testing. Allele origin: germline.
Comment: The DISC1 c.1493A>C variant is predicted to result in the amino acid substitution p.Gln498Pro. To our knowledge, this variant has not been reported in the literature or in a large population database, indicating this variant is rare. At this time, the clinical significance of this variant is uncertain due to the absence of conclusive functional and genetic evidence.

NM_018662.3(DISC1):c.1493A>C (p.Gln498Pro)

Genes: DISC1 (DISC1 scaffold protein; plus strand), TSNAX-DISC1 (TSNAX-DISC1 readthrough (NMD candidate); plus strand). Cytogenetic location: 1q42.2.
Variant type: single nucleotide variant.
Coding change: c.1493A>C on transcript NM_018662.3 (MANE Select); coding-DNA position 1493, A replaced by C.
Protein change: p.Gln498Pro; replaces glutamine 498 with proline.
Molecular consequence: missense variant. On other transcripts: non-coding transcript variant (6), intron variant (1).
Genome position (GRCh38, 1-based): chr1:231,770,929, A>C. VCF-style: chr1-231770929-A-C. GRCh37 (hg19) VCF-style: chr1-231906675-A-C.
Other names: c.1493A>C, p.Gln498Pro (NM_001012957.2, NM_001012959.2, NM_001164538.2 and 9 more transcripts); c.1589A>C, p.Gln530Pro (NM_001164537.2); c.443A>C, p.Gln148Pro (NM_001164556.2); c.1268+20853A>C (NM_001164540.2); short protein forms Q148P, Q498P, Q530P.
Identifiers: ClinVar variation 2629311 (VCV002629311.3), dbSNP rs2546092570, ClinGen allele CA345238318.
Genomic context (GRCh38, chr1:231,770,929, plus strand): 5'-TGCTGGAAGCCAAAGATCAACAGCTGAGAAGGGAAATAGAGGAGCAAGAGCAGCAACTCC[A>C]GTGGCAGGGCTGCGACCTGACCCCACTGGTGGGCCAGCTGTCCCTGGGTCAGCTGCAGGA-3'
Protein context (NP_061132.2, residues 488-508): REIEEQEQQL[Gln498Pro]WQGCDLTPLV